The following is an entry in ClinVar:

NM_001148.6(ANK2):c.2323C>A (p.His775Asn)

Gene: ANK2 (ankyrin 2; plus strand). Cytogenetic location: 4q26.
Variant type: single nucleotide variant.
Coding change: c.2323C>A on transcript NM_001148.6 (MANE Select); coding-DNA position 2323, C replaced by A.
Protein change: p.His775Asn; replaces histidine 775 with asparagine.
Molecular consequence: missense variant.
Genome position (GRCh38, 1-based): chr4:113,292,461, C>A. VCF-style: chr4-113292461-C-A. GRCh37 (hg19) VCF-style: chr4-114213617-C-A.
Other names: c.2260C>A, p.His754Asn (NM_001127493.3, NM_001354239.2, NM_001354243.2 and 10 more transcripts); c.2323C>A, p.His775Asn (NM_001354225.2, NM_001354228.2, NM_001354232.2 and 6 more transcripts); c.2368C>A, p.His790Asn (NM_001354230.2, NM_001354231.2, NM_001354237.2 and 5 more transcripts); c.2224C>A, p.His742Asn (NM_001354245.2, NM_001354268.2); c.2236C>A, p.His746Asn (NM_001354249.2, NM_001354264.2, NM_001354266.2 and 10 more transcripts); c.2161C>A, p.His721Asn (NM_001354253.2, NM_001354257.2, NM_001354270.2 and 1 more transcripts); c.2137C>A, p.His713Asn (NM_001354260.2, NM_001354271.2, NM_001386151.1); c.2281C>A, p.His761Asn (NM_001354261.2, NM_001386147.1, NM_001386160.1); and 8 more; short protein forms H680N, H761N, H763N, H771N, H775N, H647N, H709N, H746N.
Identifiers: ClinVar variation 2450629 (VCV002450629.2), dbSNP rs1363338483, ClinGen allele CA357919294.

ClinVar aggregate classification (germline): Uncertain significance (1 of 4 stars; one submission).

Conditions:
Cardiovascular phenotype. Identifiers: MedGen CN230736.

Submission:

Ambry Genetics
Classification: Uncertain significance for Cardiovascular phenotype. Last evaluated: 2022-12-06. Review status: criteria provided, single submitter. Criteria: Ambry Variant Classification Scheme 2023. Collection method: clinical testing. Allele origin: germline.
Comment: The p.H775N variant (also known as c.2323C>A), located in coding exon 21 of the ANK2 gene, results from a C to A substitution at nucleotide position 2323. The histidine at codon 775 is replaced by asparagine, an amino acid with similar properties. This amino acid position is conserved. In addition, this alteration is predicted to be tolerated by in silico analysis. Since supporting evidence is limited at this time, the clinical significance of this alteration remains unclear.